The following is an entry in ClinVar:

NM_000245.4(MET):c.3936-3C>T

Gene: MET (MET proto-oncogene, receptor tyrosine kinase; plus strand). Cytogenetic location: 7q31.2.
Variant type: single nucleotide variant.
Coding change: c.3936-3C>T on transcript NM_000245.4 (MANE Select); 3 bases into the intron before coding-DNA position 3936, C replaced by T.
Molecular consequence: intron variant.
Genome position (GRCh38, 1-based): chr7:116,795,884, C>T. VCF-style: chr7-116795884-C-T. GRCh37 (hg19) VCF-style: chr7-116435938-C-T.
Other names: c.3990-3C>T (NM_001127500.3); c.2646-3C>T (NM_001324402.2).
Identifiers: ClinVar variation 1736770 (VCV001736770.2), dbSNP rs2117110330, ClinGen allele CA2580076253.

ClinVar aggregate classification (germline): Uncertain significance (1 of 4 stars; one submission).

Conditions:
Hereditary cancer-predisposing syndrome. Also called: Neoplastic Syndromes, Hereditary; Tumor predisposition; Hereditary Cancer Syndrome; Hereditary neoplastic syndrome. Identifiers: Orphanet 140162, MedGen C0027672, MeSH D009386, MONDO:0015356.

Submission:

Ambry Genetics
Classification: Uncertain significance for Hereditary cancer-predisposing syndrome. Last evaluated: 2022-01-11. Review status: criteria provided, single submitter. Criteria: Ambry Variant Classification Scheme 2023. Collection method: clinical testing. Allele origin: germline.
Comment: The c.3990-3C>T intronic variant results from a C to T substitution 3 nucleotides upstream from coding exon 20 in the MET gene. This nucleotide position is not well conserved in available vertebrate species. In silico splice site analysis predicts that this alteration will not have any significant effect on splicing. Since supporting evidence is limited at this time, the clinical significance of this alteration remains unclear.